The following is an entry in ClinVar:

ClinVar aggregate classification (germline): Likely benign (0 of 4 stars; one submission).

Conditions:
PLXNA1-related disorder. Also called: PLXNA1-related condition.

Allele frequency attached by ClinVar (database versions not stated): TOPMed 0.00002; gnomAD 0.00013; 1000 Genomes Project 30x 0.00016; gnomAD exomes 0.00017; 1000 Genomes Project 0.00020; ExAC 0.00031.
gnomAD v4.1: 265 of 1,612,766 alleles (0.016%); highest among the groups gnomAD compares: South Asian, 0.29%; 3 homozygotes.

Submission:

PreventionGenetics, part of Exact Sciences
Classification: Likely benign for PLXNA1-related condition. Last evaluated: 2022-10-07. Review status: no assertion criteria provided. Collection method: clinical testing. Allele origin: germline.
Comment: This variant is classified as likely benign based on ACMG/AMP sequence variant interpretation guidelines (Richards et al. 2015 PMID: 25741868, with internal and published modifications).

NM_032242.4(PLXNA1):c.1287C>G (p.Asp429Glu)

Gene: PLXNA1 (plexin A1; plus strand). Cytogenetic location: 3q21.3.
Variant type: single nucleotide variant.
Coding change: c.1287C>G on transcript NM_032242.4 (MANE Select); coding-DNA position 1287, C replaced by G.
Protein change: p.Asp429Glu; replaces aspartic acid 429 with glutamic acid.
Molecular consequence: missense variant.
Genome position (GRCh38, 1-based): chr3:126,991,476, C>G. VCF-style: chr3-126991476-C-G. GRCh37 (hg19) VCF-style: chr3-126710319-C-G.
Other names: short protein forms D429E.
Identifiers: ClinVar variation 3035165 (VCV003035165.2), dbSNP rs572514021, ClinGen allele CA2593178.